The following is an entry in ClinVar:

ClinVar aggregate classification (germline): Uncertain significance (1 of 4 stars; one submission).

Conditions:
Hereditary cancer-predisposing syndrome. Also called: Neoplastic Syndromes, Hereditary; Tumor predisposition; Hereditary neoplastic syndrome; Hereditary Cancer Syndrome. Identifiers: Orphanet 140162, MedGen C0027672, MeSH D009386, MONDO:0015356.

Submission:

Ambry Genetics
Classification: Uncertain significance for Hereditary cancer-predisposing syndrome. Last evaluated: 2023-02-16. Review status: criteria provided, single submitter. Criteria: Ambry Variant Classification Scheme 2023. Collection method: clinical testing. Allele origin: germline.
Comment: The p.R482I variant (also known as c.1445G>T), located in coding exon 12 of the CHEK2 gene, results from a G to T substitution at nucleotide position 1445. The arginine at codon 482 is replaced by isoleucine, an amino acid with similar properties. This amino acid position is conserved. In addition, this alteration is predicted to be tolerated by in silico analysis. Since supporting evidence is limited at this time, the clinical significance of this alteration remains unclear.

NM_007194.4(CHEK2):c.1445G>T (p.Arg482Ile)

Gene: CHEK2 (checkpoint kinase 2; minus strand). Cytogenetic location: 22q12.1.
Variant type: single nucleotide variant.
Coding change: c.1445G>T on transcript NM_007194.4 (MANE Select); coding-DNA position 1445, G replaced by T.
Protein change: p.Arg482Ile; replaces arginine 482 with isoleucine.
Molecular consequence: missense variant.
Genome position (GRCh38, 1-based): chr22:28,694,048, C>A on the plus strand (G>T on the coding strand, the complement: CHEK2 is on the minus strand). VCF-style: chr22-28694048-C-A. GRCh37 (hg19) VCF-style: chr22-29090036-C-A.
Other names: c.1574G>T, p.Arg525Ile (NM_001005735.3); c.782G>T, p.Arg261Ile (NM_001257387.3); c.1244G>T, p.Arg415Ile (NM_001349956.3); c.1358G>T, p.Arg453Ile (NM_145862.3); short protein forms R415I, R482I, R261I, R525I, R453I.
Identifiers: ClinVar variation 2452087 (VCV002452087.2), dbSNP rs1555913090, ClinGen allele CA411094018.